The following is an entry in ClinVar:

ClinVar aggregate classification (germline): Conflicting classifications of pathogenicity. Review status: criteria provided, conflicting classifications (1 of 4 stars). 2 submissions from 2 submitters: Uncertain significance (1); Likely benign (1). Last evaluated 2024-07-01.

Submissions (2):

CeGaT Center for Human Genetics Tuebingen
Classification: Uncertain significance. Last evaluated: 2024-07-01. Review status: criteria provided, single submitter. Criteria: CeGaT Center For Human Genetics Tuebingen Variant Classification Criteria Version 2. Collection method: clinical testing. Allele origin: germline. Affected: yes. Observed: 1 variant allele.
Comment: CCDC50: PM4:Supporting

GeneDx
Classification: Likely benign. Last evaluated: 2020-06-11. Review status: criteria provided, single submitter. Criteria: GeneDx Variant Classification Process June 2021. Collection method: clinical testing. Allele origin: germline. Affected: yes.
Comment: In-frame deletion of 1 amino acid in a non-repeat region; In silico analysis, which includes protein predictors and evolutionary conservation, supports a deleterious effect; Has not been previously published as pathogenic or benign to our knowledge

NM_178335.3(CCDC50):c.1078GAA[2] (p.Glu362del)

Gene: CCDC50 (coiled-coil domain containing 50; plus strand). Cytogenetic location: 3q28.
Variant type: Microsatellite.
Coding change: c.1078GAA[2] on transcript NM_178335.3 (MANE Select); two copies in a row of the 3-base unit GAA starting at c.1078; the reference has three copies in a row; one copy, 3 bases deleted.
Protein change: p.Glu362del; deletes glutamic acid 362.
Molecular consequence: inframe deletion.
Genome position (GRCh38, 1-based): chr3:191,380,266-191,380,268, GAA deleted; deleting any 3 consecutive bases within chr3:191,380,258-191,380,268 gives the same sequence; the position shown is the placement nearest the transcript's 3' end. VCF-style (leftmost placement, unchanged base first): chr3-191380257-CAAG-C. GRCh37 (hg19) VCF-style: chr3-191098046-CAAG-C.
Other names: c.550GAA[2], p.Glu186del (NM_174908.4); short protein forms E186del, E362del.
Identifiers: ClinVar variation 1178396 (VCV001178396.19), dbSNP rs774946397, ClinGen allele CA2755418.